The following is an entry in ClinVar:

ClinVar aggregate classification (germline): Uncertain significance (1 of 4 stars; one submission).

Allele frequency attached by ClinVar (database versions not stated): gnomAD exomes below 0.00001.
gnomAD v4.1: 1 of 1,614,140 alleles (0.000062%); highest among the groups gnomAD compares: Non-Finnish European, 0.000085%; no homozygotes.

Submission:

Labcorp Genetics (formerly Invitae), Labcorp
Classification: Uncertain significance. Last evaluated: 2022-06-12. Review status: criteria provided, single submitter. Criteria: Invitae Variant Classification Sherloc (09022015). Collection method: clinical testing. Allele origin: germline.
Comment: This sequence change replaces isoleucine, which is neutral and non-polar, with valine, which is neutral and non-polar, at codon 612 of the MYO5B protein (p.Ile612Val). This variant is present in population databases (no rsID available, gnomAD 0.0009%). In summary, the available evidence is currently insufficient to determine the role of this variant in disease. Therefore, it has been classified as a Variant of Uncertain Significance. Algorithms developed to predict the effect of sequence changes on RNA splicing suggest that this variant may create or strengthen a splice site. Algorithms developed to predict the effect of missense changes on protein structure and function output the following: SIFT: "Tolerated"; PolyPhen-2: "Benign"; Align-GVGD: "Class C0". The valine amino acid residue is found in multiple mammalian species, which suggests that this missense change does not adversely affect protein function. This variant has not been reported in the literature in individuals affected with MYO5B-related conditions.

NM_001080467.3(MYO5B):c.1834A>G (p.Ile612Val)

Gene: MYO5B (myosin VB; minus strand). Cytogenetic location: 18q21.1.
Variant type: single nucleotide variant.
Coding change: c.1834A>G on transcript NM_001080467.3 (MANE Select); coding-DNA position 1834, A replaced by G.
Protein change: p.Ile612Val; replaces isoleucine 612 with valine.
Molecular consequence: missense variant.
Genome position (GRCh38, 1-based): chr18:49,937,316, T>C on the plus strand (A>G on the coding strand, the complement: MYO5B is on the minus strand). VCF-style: chr18-49937316-T-C. GRCh37 (hg19) VCF-style: chr18-47463686-T-C.
Other names: short protein forms I612V.
Identifiers: ClinVar variation 1516876 (VCV001516876.8), dbSNP rs1267348047, ClinGen allele CA402445935.